The following is an entry in ClinVar:

NM_000213.5(ITGB4):c.182G>A (p.Cys61Tyr)

Gene: ITGB4 (integrin subunit beta 4; plus strand). Cytogenetic location: 17q25.1.
Variant type: single nucleotide variant.
Coding change: c.182G>A on transcript NM_000213.5 (MANE Select); coding-DNA position 182, G replaced by A.
Protein change: p.Cys61Tyr; replaces cysteine 61 with tyrosine.
Molecular consequence: missense variant.
Genome position (GRCh38, 1-based): chr17:75,727,423, G>A. VCF-style: chr17-75727423-G-A. GRCh37 (hg19) VCF-style: chr17-73723504-G-A.
Other names: c.182G>A (NM_000213.4); c.182G>A, p.Cys61Tyr (NM_001005619.2, NM_001005731.3, NM_001321123.2); short protein forms C61Y.
Identifiers: ClinVar variation 14734 (VCV000014734.18), dbSNP rs80338755, ClinGen allele CA341333.

ClinVar aggregate classification (germline): Pathogenic/Likely pathogenic. Review status: criteria provided, multiple submitters, no conflicts (2 of 4 stars). 8 submissions from 8 submitters: Pathogenic (5); Likely pathogenic (1). 2 of the submissions do not count toward it. Last evaluated 2025-03-06.

Conditions:
Junctional epidermolysis bullosa with pyloric atresia. Also called: ITGB4-Related Epidermolysis Bullosa with Pyloric Atresia; APLASIA CUTIS CONGENITA WITH GASTROINTESTINAL ATRESIA; CARMI SYNDROME; EPIDERMOLYSIS BULLOSA, JUNCTIONAL 5B, WITH PYLORIC ATRESIA; Junctional Epidermolysis Bullosa- Pyloric Atresia Syndrome; Epidermolysis bullosa, junctional, with pyloric atresia and aplasia cutis congenita. Identifiers: Orphanet 79403, MedGen C5676875, MONDO:0009183, OMIM 226730.
Epidermolysis bullosa, junctional 5A, intermediate. Also called: EPIDERMOLYSIS BULLOSA, JUNCTIONAL 5A, GENERALIZED INTERMEDIATE; EPIDERMOLYSIS BULLOSA, JUNCTIONAL 5A, NON-HERLITZ TYPE. Identifiers: MedGen C5676956, MONDO:0030768, OMIM 619816.
ITGB4-related disorder. Also called: ITGB4-related condition.

Allele frequency attached by ClinVar (database versions not stated): TOPMed 0.00001; ExAC 0.00002; gnomAD exomes 0.00002; gnomAD 0.00001; 1000 Genomes Project 30x 0.00016; 1000 Genomes Project 0.00020.
gnomAD v4.1: 22 of 1,614,052 alleles (0.0014%); highest among the groups gnomAD compares: Admixed American, 0.005%; no homozygotes.

Submissions (8):

PreventionGenetics, part of Exact Sciences
Classification: Pathogenic for ITGB4-related condition. Last evaluated: 2025-03-06. Review status: criteria provided, single submitter. Criteria: ACMG Guidelines, 2015. Collection method: clinical testing. Allele origin: germline.
Comment: The ITGB4 c.182G>A variant is predicted to result in the amino acid substitution p.Cys61Tyr. This variant has been reported in the homozygous state in multiple individuals with epidermolysis bullosa with pyloric atresia (Pulkkinen et al. 1998. PubMed ID: 9792864; Varki et al. 2006. PubMed ID: 16473856; Lee et al. 2024. PubMed ID: 38360210). It has also been proposed as a possible founder variant in the Hispanic population (Varki et al. 2006. PubMed ID: 16473856). This variant is reported in 0.0058% of alleles in individuals of Latino descent in gnomAD and has been consistently classified as pathogenic or likely pathogenic in ClinVar. This variant is interpreted as pathogenic.

Labcorp Genetics (formerly Invitae), Labcorp
Classification: Pathogenic. Last evaluated: 2023-12-05. Review status: criteria provided, single submitter. Criteria: Invitae Variant Classification Sherloc (09022015). Collection method: clinical testing. Allele origin: germline.
Comment: This sequence change replaces cysteine, which is neutral and slightly polar, with tyrosine, which is neutral and polar, at codon 61 of the ITGB4 protein (p.Cys61Tyr). This variant is present in population databases (rs80338755, gnomAD 0.003%). This missense change has been observed in individuals with epidermolysis bullosa with pyloric atresia (PMID: 9792864, 16473856). ClinVar contains an entry for this variant (Variation ID: 14734). Advanced modeling of protein sequence and biophysical properties (such as structural, functional, and spatial information, amino acid conservation, physicochemical variation, residue mobility, and thermodynamic stability) has been performed at Invitae for this missense variant, however the output from this modeling did not meet the statistical confidence thresholds required to predict the impact of this variant on ITGB4 protein function. For these reasons, this variant has been classified as Pathogenic.

Center for Personalized Medicine, Children's Hospital Los Angeles
Classification: Likely pathogenic. Last evaluated: 2022-12-21. Review status: criteria provided, single submitter. Criteria: ACMG Guidelines, 2015. Collection method: clinical testing. Allele origin: biparental. Affected: yes.

GeneDx
Classification: Pathogenic. Last evaluated: 2022-07-21. Review status: criteria provided, single submitter. Criteria: GeneDx Variant Classification Process June 2021. Collection method: clinical testing. Allele origin: germline. Affected: yes.
Comment: Recurrent pathogenic variant commonly seen in Hispanic individuals in the United States with EB-PA (Varki et al., 2006); Not observed at a significant frequency in large population cohorts (gnomAD); In silico analysis, which includes protein predictors and evolutionary conservation, supports a deleterious effect; This variant is associated with the following publications: (PMID: 11328943, 9792864, 16473856, 18779879, 20301336)

Fulgent Genetics
Classification: Pathogenic for Junctional epidermolysis bullosa with pyloric atresia; Epidermolysis bullosa, junctional 5A, intermediate. Last evaluated: 2021-08-05. Review status: criteria provided, single submitter. Criteria: ACMG Guidelines, 2015. Collection method: clinical testing. Allele origin: unknown.

Biomedical Innovation Departament, CIEMAT
Classification: Pathogenic for Epidermolysis bullosa junctionalis with pyloric atresia. Last evaluated: 2016-03-21. Review status: criteria provided, single submitter. Criteria: ACMG Guidelines, 2015. Collection method: research. Allele origin: germline. Affected: yes. Observed: 3 variant alleles.

OMIM
Classification: Pathogenic for EPIDERMOLYSIS BULLOSA, JUNCTIONAL 5B, WITH PYLORIC ATRESIA. Last evaluated: 1998-11-01. Review status: no assertion criteria provided. Collection method: literature only. Allele origin: germline. Not counted in ClinVar's aggregate classification.

GeneReviews
No classification provided. Condition: Junctional epidermolysis bullosa with pyloric atresia. Review status: no classification provided. Collection method: literature only. Allele origin: germline. Not counted in ClinVar's aggregate classification.

Literature cited by the submitters: PubMed 9792864 (cited by Labcorp Genetics (formerly Invitae), Labcorp and OMIM); PubMed 16473856 (cited by Labcorp Genetics (formerly Invitae), Labcorp); NCBI Bookshelf NBK1157 (cited by GeneReviews); PubMed 20301336 (cited by GeneReviews).